The following is an entry in ClinVar:

NM_139215.3(TAF15):c.1395G>A (p.Gly465=)

Gene: TAF15 (TATA-box binding protein associated factor 15; plus strand). Cytogenetic location: 17q12.
Variant type: single nucleotide variant.
Coding change: c.1395G>A on transcript NM_139215.3 (MANE Select); coding-DNA position 1395, G replaced by A.
Protein change: p.Gly465=; no amino-acid change (glycine 465 retained).
Molecular consequence: synonymous variant.
Genome position (GRCh38, 1-based): chr17:35,844,694, G>A. VCF-style: chr17-35844694-G-A. GRCh37 (hg19) VCF-style: chr17-34171698-G-A.
Other names: c.1386G>A, p.Gly462= (NM_003487.4).
Identifiers: ClinVar variation 2647677 (VCV002647677.24), dbSNP rs752540814, ClinGen allele CA290041405.
Genomic context (GRCh38, chr17:35,844,694, plus strand): 5'-CTATGGTGGAGACAGAAGTGGGGGTGGCTATGGTGGGGACAGAGGCGGCGGCTATGGTGG[G>A]GACAGAGGAGGCGGCTATGGAGGAGACCGAGGAGGTGGCTATGGAGGAGATCGAGGTGGC-3'
Protein context (NP_631961.1, residues 455-475): YGGDRGGGYG[Gly465=]DRGGGYGGDR

ClinVar aggregate classification (germline): Likely benign (1 of 4 stars; one submission).

Allele frequency attached by ClinVar (database versions not stated): gnomAD 0.00001; ExAC 0.00002; gnomAD exomes 0.00002.
gnomAD v4.1: 28 of 1,601,294 alleles (0.0017%); highest among the groups gnomAD compares: East Asian, 0.037%; no homozygotes.

Submission:

CeGaT Center for Human Genetics Tuebingen
Classification: Likely benign. Last evaluated: 2023-04-01. Review status: criteria provided, single submitter. Criteria: CeGaT Center For Human Genetics Tuebingen Variant Classification Criteria Version 2. Collection method: clinical testing. Allele origin: germline. Affected: yes. Observed: 1 variant allele.
Comment: TAF15: BP4, BP7